The following is an entry in ClinVar:

NC_012920.1(MT-TC):m.5774T>C

Gene: MT-TC (mitochondrially encoded tRNA cysteine; minus strand).
Variant type: single nucleotide variant.
Genome position: chrM-5774-T-C.
Identifiers: ClinVar variation 689983 (VCV000689983.1), dbSNP rs1603220102, ClinGen allele CA913180421.

ClinVar aggregate classification (germline): Benign (1 of 4 stars; one submission).

Conditions:
MELAS syndrome (MELAS). Also called: Juvenile myopathy, encephalopathy, lactic acidosis, stroke. Identifiers: Orphanet 550, MedGen C0162671, MONDO:0010789, OMIM 540000.

Submission:

Wong Mito Lab, Molecular and Human Genetics, Baylor College of Medicine
Classification: Benign for MELAS syndrome. Last evaluated: 2019-07-12. Review status: criteria provided, single submitter. Criteria: Modified ACMG Guidelines (Unpublished). Collection method: clinical testing. Allele origin: germline.
Comment: The NC_012920.1:m.5774T>C variant in MT-TC gene is interpreted to be a Benign variant based on the modified ACMG guidelines (unpublished). This variant meets the following evidence codes reported in the guidelines: BS1, BS2, BP4

Literature cited by the submitters: PubMed 31965079.